The following is an entry in ClinVar:

NM_005732.4(RAD50):c.810T>G (p.Asn270Lys)

Gene: RAD50 (RAD50 double strand break repair protein; plus strand). Cytogenetic location: 5q31.1.
Variant type: single nucleotide variant.
Coding change: c.810T>G on transcript NM_005732.4 (MANE Select); coding-DNA position 810, T replaced by G.
Protein change: p.Asn270Lys; replaces asparagine 270 with lysine.
Molecular consequence: missense variant.
Genome position (GRCh38, 1-based): chr5:132,587,615, T>G. VCF-style: chr5-132587615-T-G. GRCh37 (hg19) VCF-style: chr5-131923307-T-G.
Other names: short protein forms N270K.
Identifiers: ClinVar variation 4826860 (VCV004826860.1).

ClinVar aggregate classification (germline): Uncertain significance (1 of 4 stars; one submission).

Conditions:
Hereditary cancer-predisposing syndrome. Also called: Neoplastic Syndromes, Hereditary; Tumor predisposition; Hereditary Cancer Syndrome; Hereditary neoplastic syndrome. Identifiers: Orphanet 140162, MedGen C0027672, MeSH D009386, MONDO:0015356.

Submission:

Ambry Genetics
Classification: Uncertain significance for Hereditary cancer-predisposing syndrome. Last evaluated: 2026-03-04. Review status: criteria provided, single submitter. Criteria: Ambry Variant Classification Scheme 2023. Collection method: clinical testing. Allele origin: germline.
Comment: The p.N270K variant (also known as c.810T>G), located in coding exon 6 of the RAD50 gene, results from a T to G substitution at nucleotide position 810. The asparagine at codon 270 is replaced by lysine, an amino acid with similar properties. This amino acid position is conserved. In addition, this alteration is predicted to be tolerated by in silico analysis. Based on the available evidence, the clinical significance of this variant remains unclear.